The following is an entry in ClinVar:

ClinVar aggregate classification (germline): Uncertain significance (1 of 4 stars; one submission).

gnomAD v4.1: 1 of 1,613,292 alleles (0.000062%); highest among the groups gnomAD compares: African/African-American, 0.0013%; no homozygotes.

Submission:

Labcorp Genetics (formerly Invitae), Labcorp
Classification: Uncertain significance. Last evaluated: 2025-11-10. Review status: criteria provided, single submitter. Criteria: Invitae Variant Classification Sherloc (09022015). Collection method: clinical testing. Allele origin: germline.
Comment: This sequence change replaces arginine, which is basic and polar, with lysine, which is basic and polar, at codon 85 of the BMP2 protein (p.Arg85Lys). This variant is not present in population databases (gnomAD no frequency). This variant has not been reported in the literature in individuals affected with BMP2-related conditions. ClinVar contains an entry for this variant (Variation ID: 3625492). An algorithm developed to predict the effect of missense changes on protein structure and function (PolyPhen-2) suggests that this variant is likely to be tolerated. In summary, the available evidence is currently insufficient to determine the role of this variant in disease. Therefore, it has been classified as a Variant of Uncertain Significance.

NM_001200.4(BMP2):c.254G>A (p.Arg85Lys)

Gene: BMP2 (bone morphogenetic protein 2; plus strand). Cytogenetic location: 20p12.3.
Variant type: single nucleotide variant.
Coding change: c.254G>A on transcript NM_001200.4 (MANE Select); coding-DNA position 254, G replaced by A.
Protein change: p.Arg85Lys; replaces arginine 85 with lysine.
Molecular consequence: missense variant.
Genome position (GRCh38, 1-based): chr20:6,770,380, G>A. VCF-style: chr20-6770380-G-A. GRCh37 (hg19) VCF-style: chr20-6751027-G-A.
Other names: short protein forms R85K.
Identifiers: ClinVar variation 3625492 (VCV003625492.2).